The following is an entry in ClinVar:

NM_001009944.3(PKD1):c.4316G>T (p.Gly1439Val)

Gene: PKD1 (polycystin 1, transient receptor potential channel interacting; minus strand). Cytogenetic location: 16p13.3.
Variant type: single nucleotide variant.
Coding change: c.4316G>T on transcript NM_001009944.3 (MANE Select); coding-DNA position 4316, G replaced by T.
Protein change: p.Gly1439Val; replaces glycine 1439 with valine.
Molecular consequence: missense variant.
Genome position (GRCh38, 1-based): chr16:2,110,851, C>A on the plus strand (G>T on the coding strand, the complement: PKD1 is on the minus strand). VCF-style: chr16-2110851-C-A. GRCh37 (hg19) VCF-style: chr16-2160852-C-A.
Other names: c.4316G>T, p.Gly1439Val (NM_000296.4); short protein forms G1439V.
Identifiers: ClinVar variation 5026748 (VCV005026748.1).

ClinVar aggregate classification (germline): Uncertain significance (1 of 4 stars; one submission).

Conditions:
Inborn genetic diseases. Identifiers: MedGen C0950123, MeSH D030342.

gnomAD v4.1: 1 of 1,611,748 alleles (0.000062%); no homozygotes.

Submission:

Ambry Genetics
Classification: Uncertain significance for Inborn genetic diseases. Last evaluated: 2026-08-04. Review status: criteria provided, single submitter. Criteria: Ambry Variant Classification Scheme 2023. Collection method: clinical testing. Allele origin: germline.
Comment: The c.4316G>T (p.G1439V) alteration is located in exon 15 (coding exon 15) of the PKD1 gene. This alteration results from a G to T substitution at nucleotide position 4316, causing the glycine (G) at amino acid position 1439 to be replaced by a valine (V). Based on data from gnomAD, the T allele has an overall frequency of <0.001% (1/249232) total alleles studied. The highest observed frequency was <0.001% (/) of alleles. Based on insufficient or conflicting evidence, the clinical significance of this alteration remains unclear.